The following is an entry in ClinVar:

ClinVar aggregate classification (germline): Pathogenic. Review status: criteria provided, multiple submitters, no conflicts (2 of 4 stars). 3 submissions from 3 submitters: Pathogenic (3). Last evaluated 2025-06-10.

Conditions:
Acrocallosal syndrome (ACLS). Also called: HALLUX DUPLICATION, POSTAXIAL POLYDACTYLY, AND ABSENCE OF CORPUS CALLOSUM; Schinzel syndrome 1; Absence of corpus callosum with unusual facial appearance, mental deficiency, duplication of the halluces and polydactyly. Identifiers: Orphanet 36, MedGen C0796147, MONDO:0008708, OMIM 200990.

gnomAD v4.1: 7 of 1,555,514 alleles (0.00045%); highest among the groups gnomAD compares: Admixed American, 0.0019%; no homozygotes.

Submissions (3):

GeneDx
Classification: Pathogenic. Last evaluated: 2025-06-10. Review status: criteria provided, single submitter. Criteria: GeneDx Variant Classification Process June 2021. Collection method: clinical testing. Allele origin: germline. Affected: yes.
Comment: Nonsense variant predicted to result in protein truncation or nonsense mediated decay in a gene for which loss of function is a known mechanism of disease; Not observed at significant frequency in large population cohorts (gnomAD); This variant is associated with the following publications: (PMID: 26092869, 34775388)

Labcorp Genetics (formerly Invitae), Labcorp
Classification: Pathogenic for Acrocallosal syndrome. Last evaluated: 2018-06-19. Review status: criteria provided, single submitter. Criteria: Invitae Variant Classification Sherloc (09022015). Collection method: clinical testing. Allele origin: germline.
Comment: For these reasons, this variant has been classified as Pathogenic. Loss-of-function variants in KIF7 are known to be pathogenic (PMID: 19666503, 21552264, 21633164, 26648833). This variant has been observed in an individual affected with Joubert syndrome (PMID: 26092869). ClinVar contains an entry for this variant (Variation ID: 217671). This variant is present in population databases (rs202229910, ExAC 0.1%). This sequence change creates a premature translational stop signal (p.Arg973*) in the KIF7 gene. It is expected to result in an absent or disrupted protein product.

UW Hindbrain Malformation Research Program, University of Washington
Classification: Pathogenic for Acrocallosal syndrome. Last evaluated: 2015-02-23. Review status: criteria provided, single submitter. Criteria: Bachmann-Gagescu et al. (J Med Genet. 2015). Collection method: research. Allele origin: unknown. Affected: yes.

Literature cited by the submitters: PubMed 19666503 (cited by Labcorp Genetics (formerly Invitae), Labcorp); PubMed 21552264 (cited by Labcorp Genetics (formerly Invitae), Labcorp); PubMed 21633164 (cited by Labcorp Genetics (formerly Invitae), Labcorp); PubMed 26648833 (cited by Labcorp Genetics (formerly Invitae), Labcorp); PubMed 26092869 (cited by Labcorp Genetics (formerly Invitae), Labcorp).

NM_198525.3(KIF7):c.2917C>T (p.Arg973Ter)

Gene: KIF7 (kinesin family member 7; minus strand). Cytogenetic location: 15q26.1.
Variant type: single nucleotide variant.
Coding change: c.2917C>T on transcript NM_198525.3 (MANE Select); coding-DNA position 2917, C replaced by T.
Protein change: p.Arg973Ter; replaces arginine 973 with a stop codon.
Molecular consequence: nonsense.
Genome position (GRCh38, 1-based): chr15:89,631,689, G>A on the plus strand (C>T on the coding strand, the complement: KIF7 is on the minus strand). VCF-style: chr15-89631689-G-A. GRCh37 (hg19) VCF-style: chr15-90174920-G-A.
Other names: short protein forms R973*.
Identifiers: ClinVar variation 217671 (VCV000217671.9), dbSNP rs202229910, ClinGen allele CA277751.
Genomic context (GRCh38, chr15:89,631,689, plus strand): 5'-GCAGCTGCCCGCTCTTCTCGGACAGCTCCTTCTCCAGGTGCTCCAGCCGGCTGGACACTC[G>A]CACGATGTCCTCGTTGAGGGCCTGGGGGCAGAATCACCAGGGATTAGAGAAGGAACAGGC-3'